The following is an entry in ClinVar:

NM_032043.3(BRIP1):c.438A>T (p.Ile146=)

Gene: BRIP1 (BRCA1 interacting DNA helicase 1; minus strand). Cytogenetic location: 17q23.2.
Variant type: single nucleotide variant.
Coding change: c.438A>T on transcript NM_032043.3 (MANE Select); coding-DNA position 438, A replaced by T.
Protein change: p.Ile146=; no amino-acid change (isoleucine 146 retained).
Molecular consequence: synonymous variant.
Genome position (GRCh38, 1-based): chr17:61,849,198, T>A on the plus strand (A>T on the coding strand, the complement: BRIP1 is on the minus strand). VCF-style: chr17-61849198-T-A. GRCh37 (hg19) VCF-style: chr17-59926559-T-A.
Identifiers: ClinVar variation 1092020 (VCV001092020.13), dbSNP rs886038702, ClinGen allele CA501150899.
Genomic context (GRCh38, chr17:61,849,198, plus strand): 5'-AGTTTCTAAGGGTCGAATTCTTTTCTTCTCTACTTGAAAATCATCATTTTCATCTCTGTA[T>A]ATGGATGCCTGTTTCTTAGCAGATAACTTTGCAGCCAGAGTGGTTTTTTCAGGGGAGTCT-3'
Protein context (NP_114432.2, residues 136-156): AKLSAKKQAS[Ile146=]YRDENDDFQV

ClinVar aggregate classification (germline): Benign/Likely benign. Review status: criteria provided, multiple submitters, no conflicts (2 of 4 stars). 3 submissions from 3 submitters: Benign (1); Likely benign (2). Last evaluated 2024-12-16.

Conditions:
Familial cancer of breast. Also called: BREAST CANCER, FAMILIAL; hereditary breast carcinoma; Hereditary breast cancer. Identifiers: Orphanet 227535, MedGen C0346153, MONDO:0016419, OMIM 114480. Disease mechanism: loss of function.
Fanconi anemia complementation group J. Also called: BRIP1-Related Fanconi Anemia. Identifiers: Orphanet 84, MedGen C1836860, MONDO:0012187, OMIM 609054.
Hereditary cancer-predisposing syndrome. Also called: Tumor predisposition; Neoplastic Syndromes, Hereditary; Hereditary Cancer Syndrome; Hereditary neoplastic syndrome. Identifiers: Orphanet 140162, MedGen C0027672, MeSH D009386, MONDO:0015356.

Submissions (3):

Labcorp Genetics (formerly Invitae), Labcorp
Classification: Likely benign for Familial cancer of breast; Fanconi anemia complementation group J. Last evaluated: 2024-12-16. Review status: criteria provided, single submitter. Criteria: Invitae Variant Classification Sherloc (09022015). Collection method: clinical testing. Allele origin: germline.

Myriad Genetics, Inc.
Classification: Benign for Familial cancer of breast. Last evaluated: 2024-08-21. Review status: criteria provided, single submitter. Criteria: Myriad Autosomal Dominant, Autosomal Recessive and X-Linked Classification Criteria (2023). Collection method: clinical testing. Allele origin: unknown.
Comment: This variant is considered benign. This variant is a silent/synonymous amino acid change and it is not expected to impact splicing.

Ambry Genetics
Classification: Likely benign for Hereditary cancer-predisposing syndrome. Last evaluated: 2021-10-07. Review status: criteria provided, single submitter. Criteria: Ambry Variant Classification Scheme 2023. Collection method: clinical testing. Allele origin: germline.